The following is an entry in ClinVar:

NM_000203.5(IDUA):c.1331_1342dup (p.Arg447_Ala448insAspAspThrArg)

Gene: IDUA (alpha-L-iduronidase; plus strand). Cytogenetic location: 4p16.3.
Variant type: Duplication.
Coding change: c.1331_1342dup on transcript NM_000203.5 (MANE Select); coding-DNA positions 1331 to 1342, 12 bases duplicated (ACGACACCCGCG).
Protein change: p.Arg447_Ala448insAspAspThrArg.
Molecular consequence: inframe insertion. On other transcripts: non-coding transcript variant (1).
Genome position (GRCh38, 1-based): chr4:1,002,873-1,002,884, ACGACACCCGCG duplicated; duplicating any 12 consecutive bases within chr4:1,002,870-1,002,884 gives the same sequence; the c. name uses the placement nearest the transcript's 3' end. VCF-style (leftmost placement, unchanged base first): chr4-1002869-A-AGCGACGACACCC. GRCh37 (hg19) VCF-style: chr4-996657-A-AGCGACGACACCC.
Other names: c.935_946dup, p.Arg315_Ala316insAspAspThrArg (NM_001363576.1).
Identifiers: ClinVar variation 1704487 (VCV001704487.6), dbSNP rs1434999845, ClinGen allele CA549264691.
Genomic context (GRCh38, chr4:1,002,869, plus strand): 5'-AGCGCCCACCGCCCCCAGGGCCCGGCCGACGCCTGGCGCGCCGCGGTGCTGATCTACGCG[A>AGCGACGACACCC]GCGACGACACCCGCGCCCACCCCAACCGCAGCGTCGCGGTGACCCTGCGGCTGCGCGGGG-3'

ClinVar aggregate classification (germline): Uncertain significance. Review status: criteria provided, multiple submitters, no conflicts (2 of 4 stars). 3 submissions from 3 submitters: Uncertain significance (3). Last evaluated 2023-01-18.

Conditions:
Mucopolysaccharidosis type 1. Also called: IDUA deficiency; MPS I. Identifiers: Orphanet 579, MedGen C0023786, MONDO:0001586.

Submissions (3):

Revvity Omics, Revvity
Classification: Uncertain significance. Last evaluated: 2023-01-18. Review status: criteria provided, single submitter. Criteria: ACMG Guidelines, 2015. Collection method: clinical testing. Allele origin: germline.

Women's Health and Genetics/Laboratory Corporation of America, LabCorp
Classification: Uncertain significance. Last evaluated: 2022-07-19. Review status: criteria provided, single submitter. Criteria: LabCorp Variant Classification Summary - May 2015. Collection method: clinical testing. Allele origin: germline.
Comment: Variant summary: IDUA c.1331_1342dup12 (p.Asp444_Arg447dup) results in an in-frame duplication that is predicted to duplicate 4 amino acids (DDTR) into the encoded protein. The variant allele was found at a frequency of 6.6e-06 in 150568 control chromosomes (gnomAD v3.1). To our knowledge, no occurrence of c.1331_1342dup12 in individuals affected with Mucopolysaccharidosis Type 1 and no experimental evidence demonstrating its impact on protein function have been reported. No clinical diagnostic laboratories have submitted clinical-significance assessments for this variant to ClinVar after 2014. Based on the evidence outlined above, the variant was classified as uncertain significance.

Labcorp Genetics (formerly Invitae), Labcorp
Classification: Uncertain significance for Mucopolysaccharidosis type 1. Last evaluated: 2022-01-26. Review status: criteria provided, single submitter. Criteria: Invitae Variant Classification Sherloc (09022015). Collection method: clinical testing. Allele origin: germline.
Comment: This variant, c.1331_1342dup, results in the insertion of 4 amino acid(s) of the IDUA protein (p.Asp444_Arg447dup), but otherwise preserves the integrity of the reading frame. This variant is present in population databases (no rsID available, gnomAD 0.01%). This variant has not been reported in the literature in individuals affected with IDUA-related conditions. Experimental studies and prediction algorithms are not available or were not evaluated, and the functional significance of this variant is currently unknown. In summary, the available evidence is currently insufficient to determine the role of this variant in disease. Therefore, it has been classified as a Variant of Uncertain Significance.